The following is an entry in ClinVar:

NM_002618.4(PEX13):c.85A>G (p.Thr29Ala)

Genes: PEX13 (peroxisomal biogenesis factor 13; plus strand), PUS10 (pseudouridine synthase 10; minus strand). Cytogenetic location: 2p15.
Variant type: single nucleotide variant.
Coding change: c.85A>G on transcript NM_002618.4 (MANE Select); coding-DNA position 85, A replaced by G.
Protein change: p.Thr29Ala; replaces threonine 29 with alanine.
Molecular consequence: missense variant. On other transcripts: intron variant (2).
Genome position (GRCh38, 1-based): chr2:61,017,844, A>G. VCF-style: chr2-61017844-A-G. GRCh37 (hg19) VCF-style: chr2-61244979-A-G.
Other names: c.-16+164T>C (NM_144709.4); c.-623+164T>C (NM_001322127.1); short protein forms T29A.
Identifiers: ClinVar variation 2179497 (VCV002179497.1), dbSNP rs1680114069, ClinGen allele CA346937297.

ClinVar aggregate classification (germline): Uncertain significance (1 of 4 stars; one submission).

Conditions:
Peroxisome biogenesis disorder 11A (Zellweger). Also called: Peroxisome biogenesis disorder 11A. Identifiers: Orphanet 912, MedGen C3554000, MONDO:0013949, OMIM 614883.

Allele frequency attached by ClinVar (database versions not stated): TOPMed below 0.00001.
gnomAD v4.1: 2 of 1,550,394 alleles (0.00013%); highest among the groups gnomAD compares: Middle Eastern, 0.033%; no homozygotes.

Submission:

Labcorp Genetics (formerly Invitae), Labcorp
Classification: Uncertain significance for Peroxisome biogenesis disorder 11A (Zellweger). Last evaluated: 2021-12-02. Review status: criteria provided, single submitter. Criteria: Invitae Variant Classification Sherloc (09022015). Collection method: clinical testing. Allele origin: germline.
Comment: This sequence change replaces threonine, which is neutral and polar, with alanine, which is neutral and non-polar, at codon 29 of the PEX13 protein (p.Thr29Ala). This variant is not present in population databases (gnomAD no frequency). This variant has not been reported in the literature in individuals affected with PEX13-related conditions. Algorithms developed to predict the effect of missense changes on protein structure and function output the following: SIFT: "Tolerated"; PolyPhen-2: "Benign"; Align-GVGD: "Class C0". The alanine amino acid residue is found in multiple mammalian species, which suggests that this missense change does not adversely affect protein function. In summary, the available evidence is currently insufficient to determine the role of this variant in disease. Therefore, it has been classified as a Variant of Uncertain Significance.